The following is an entry in ClinVar:

ClinVar aggregate classification (germline): Uncertain significance (1 of 4 stars; one submission).

Conditions:
Fanconi anemia (FA). Also called: Fanconi's anemia. Identifiers: Orphanet 84, MedGen C0015625, MeSH D005199, MONDO:0019391.

Submission:

Labcorp Genetics (formerly Invitae), Labcorp
Classification: Uncertain significance for Fanconi anemia. Last evaluated: 2022-08-21. Review status: criteria provided, single submitter. Criteria: Invitae Variant Classification Sherloc (09022015). Collection method: clinical testing. Allele origin: germline.
Comment: This variant is not present in population databases (gnomAD no frequency). This variant, c.2713_2715del, results in the deletion of 1 amino acid(s) of the SLX4 protein (p.Glu905del), but otherwise preserves the integrity of the reading frame. In summary, the available evidence is currently insufficient to determine the role of this variant in disease. Therefore, it has been classified as a Variant of Uncertain Significance. Experimental studies and prediction algorithms are not available or were not evaluated, and the functional significance of this variant is currently unknown. ClinVar contains an entry for this variant (Variation ID: 942692). This variant has not been reported in the literature in individuals affected with SLX4-related conditions.

NM_032444.4(SLX4):c.2710GAG[1] (p.Glu905del)

Gene: SLX4 (SLX4 structure-specific endonuclease subunit; minus strand). Cytogenetic location: 16p13.3.
Variant type: Microsatellite.
Coding change: c.2710GAG[1] on transcript NM_032444.4 (MANE Select); one copy of the 3-base unit GAG starting at c.2710; the reference has two copies in a row; one copy, 3 bases deleted.
Protein change: p.Glu905del; deletes glutamic acid 905.
Molecular consequence: inframe deletion.
Genome position (GRCh38, 1-based): chr16:3,590,923-3,590,925, CTC deleted on the plus strand (GAG on the coding strand, the reverse complement: SLX4 is on the minus strand); deleting any 3 consecutive bases within chr16:3,590,923-3,590,929 gives the same sequence; the position shown is the placement nearest the transcript's 3' end. VCF-style (leftmost placement, unchanged base first): chr16-3590922-TCTC-T. GRCh37 (hg19) VCF-style: chr16-3640923-TCTC-T.
Other names: short protein forms E905del.
Identifiers: ClinVar variation 942692 (VCV000942692.9), dbSNP rs1292828765, ClinGen allele CA720536508.